The following is an entry in ClinVar:

ClinVar aggregate classification (germline): Pathogenic (1 of 4 stars; one submission).

Conditions:
Cardiovascular phenotype. Identifiers: MedGen CN230736.

Submission:

Ambry Genetics
Classification: Pathogenic for Cardiovascular phenotype. Last evaluated: 2026-07-29. Review status: criteria provided, single submitter. Criteria: Ambry Variant Classification Scheme 2023. Collection method: clinical testing. Allele origin: germline.
Comment: The c.1559_1560delTA pathogenic mutation, located in coding exon 7 of the PKP2 gene, results from a deletion of two nucleotides at nucleotide positions 1559 to 1560, causing a translational frameshift with a predicted alternate stop codon (p.I520Nfs*20). This variant is considered to be rare based on population cohorts in the Genome Aggregation Database (gnomAD). This alteration is expected to result in loss of function by premature protein truncation or nonsense-mediated mRNA decay. As such, this alteration is interpreted as a disease-causing mutation.

NM_001005242.3(PKP2):c.1427_1428del (p.Ile476fs)

Gene: PKP2 (plakophilin 2; minus strand). Cytogenetic location: 12p11.21.
Variant type: Deletion.
Coding change: c.1427_1428del on transcript NM_001005242.3 (MANE Select); coding-DNA positions 1427 to 1428, 2 bases deleted (TA; older notation c.1427_1428delTA).
Protein change: p.Ile476fs; shifts the reading frame from isoleucine 476.
Molecular consequence: frameshift variant.
Genome position (GRCh38, 1-based): chr12:32,841,156-32,841,157, TA deleted on the plus strand (TA on the coding strand, the reverse complement: PKP2 is on the minus strand); deleting any 2 consecutive bases within chr12:32,841,156-32,841,158 gives the same sequence; the c. name uses the placement nearest the transcript's 3' end. VCF-style (leftmost placement, unchanged base first): chr12-32841155-TTA-T. GRCh37 (hg19) VCF-style: chr12-32994089-TTA-T.
Other names: c.1427_1428del, p.Ile476fs (NM_001407155.1, NM_001407156.1, NM_001407161.1); c.1559_1560del, p.Ile520fs (NM_001407157.1, NM_004572.4); c.1100_1101del, p.Ile367fs (NM_001407158.1, NM_001407159.1, NM_001407160.1 and 1 more transcripts); c.1559_1560delTA (NM_004572.3); short protein forms I476fs, I520fs, I367fs.
Identifiers: ClinVar variation 5026785 (VCV005026785.1).